The following is an entry in ClinVar:

NM_022081.6(HPS4):c.-554C>T

Gene: HPS4 (HPS4 biogenesis of lysosomal organelles complex 3 subunit 2; minus strand). Cytogenetic location: 22q12.1.
Variant type: single nucleotide variant.
Coding change: c.-554C>T on transcript NM_022081.6 (MANE Select); 554 bases upstream of the start codon, C replaced by T.
Molecular consequence: 5 prime UTR variant. On other transcripts: non-coding transcript variant (4), intron variant (4).
Genome position (GRCh38, 1-based): chr22:26,483,749, G>A on the plus strand (C>T on the coding strand, the complement: HPS4 is on the minus strand). VCF-style: chr22-26483749-G-A. GRCh37 (hg19) VCF-style: chr22-26879715-G-A.
Other names: c.-682C>T (NM_001349898.2); c.-483C>T (NM_001349899.2); c.-554C>T (NM_001349900.2, NM_001349903.2, NM_001349904.2); c.-479+16C>T (NM_001349905.1, NM_001349902.1, NM_001349896.1 and 1 more transcripts).
Identifiers: ClinVar variation 341034 (VCV000341034.6), dbSNP rs115916720, ClinGen allele CA10650959.

ClinVar aggregate classification (germline): Benign. Review status: criteria provided, multiple submitters, no conflicts (2 of 4 stars). 2 submissions from 2 submitters: Benign (2). Last evaluated 2018-01-13.

Conditions:
Hermansky-Pudlak syndrome 4 (HPS4). Identifiers: Orphanet 231500, Orphanet 79430, MedGen C3484357, MONDO:0013556, OMIM 614073.

Allele frequency attached by ClinVar (database versions not stated): gnomAD exomes 0.00082; gnomAD 0.00722 and 0.00769; 1000 Genomes Project 0.00759; TOPMed 0.00808; 1000 Genomes Project 30x 0.00828.
gnomAD v4.1: 1,401 of 499,610 alleles (0.28%); highest among the groups gnomAD compares: African/African-American, 2.4%; 17 homozygotes.

Submissions (2):

Illumina Laboratory Services, Illumina
Classification: Benign for Hermansky-Pudlak syndrome 4. Last evaluated: 2018-01-13. Review status: criteria provided, single submitter. Criteria: ICSL Variant Classification Criteria 13 December 2019. Collection method: clinical testing. Allele origin: germline.
Comment: This variant was observed in the ICSL laboratory as part of a predisposition screen in an ostensibly healthy population. It had not been previously curated by ICSL or reported in the Human Gene Mutation Database (HGMD: prior to June 1st, 2018), and was therefore a candidate for classification through an automated scoring system. Utilizing variant allele frequency, disease prevalence and penetrance estimates, and inheritance mode, an automated score was calculated to assess if this variant is too frequent to cause the disease. Based on the score and internal cut-off values, a variant classified as benign is not then subjected to further curation. The score for this variant resulted in a classification of benign for this disease.

Breakthrough Genomics
Classification: Benign. Review status: criteria provided, single submitter. Criteria: ACMG Guidelines, 2015. Collection method: not provided. Allele origin: germline. Inheritance: Autosomal recessive inheritance. Affected: yes.